The following is an entry in ClinVar:

NM_007294.4(BRCA1):c.134+111C>T

Gene: BRCA1 (BRCA1 DNA repair associated; minus strand). Cytogenetic location: 17q21.31.
Variant type: single nucleotide variant.
Coding change: c.134+111C>T on transcript NM_007294.4 (MANE Select); 111 bases into the intron after coding-DNA position 134, C replaced by T.
Molecular consequence: intron variant.
Genome position (GRCh38, 1-based): chr17:43,115,615, G>A on the plus strand (C>T on the coding strand, the complement: BRCA1 is on the minus strand). VCF-style: chr17-43115615-G-A. GRCh37 (hg19) VCF-style: chr17-41267632-G-A.
Other names: IVS 3+111C>T; c.-8+111C>T (NM_001408458.1, NM_001408470.1, NM_001407848.1 and 47 more transcripts); c.-219+9662C>T (NM_001407967.1); c.-170+9662C>T (NM_001407959.1); c.-7-9082C>T (NM_001407931.1, NM_001407747.1, NM_001408511.1 and 2 more transcripts); c.-170+111C>T (NM_001407962.1, NM_001408512.1, NM_001408510.1 and 1 more transcripts); c.-55+111C>T (NM_001407885.1, NM_001407886.1, NM_001408509.1 and 52 more transcripts); c.-124+111C>T (NM_001407746.1, NM_001408468.1, NM_001407842.1 and 13 more transcripts); and 11 more.
Identifiers: ClinVar variation 209535 (VCV000209535.19), dbSNP rs8176100, ClinGen allele CA276504.

ClinVar aggregate classification (germline): Benign. Review status: reviewed by expert panel (3 of 4 stars). 4 submissions from 4 submitters: Benign (1). 3 of the submissions do not count toward it. Last evaluated 2015-01-12.

Conditions:
Hereditary breast ovarian cancer syndrome. Also called: Breast and ovarian cancer; Hereditary breast and ovarian cancer; Hereditary breast and ovarian cancer syndrome; Hereditary breast and/or ovarian cancer syndrome; BRCA1- and BRCA2-Associated Hereditary Breast and Ovarian Cancer; Hereditary breast and ovarian cancer syndrome (HBOC). Identifiers: Orphanet 145, MedGen C0677776, MeSH D061325, MONDO:0003582. Disease mechanism: loss of function.
Breast-ovarian cancer, familial, susceptibility to, 1 (BROVCA1). Also called: BRCA1 Hereditary Breast and Ovarian Cancer; OVARIAN CANCER, SUSCEPTIBILITY TO. Identifiers: Orphanet 145, MedGen C2676676, MONDO:0011450, OMIM 604370. Disease mechanism: loss of function.

Allele frequency attached by ClinVar (database versions not stated): TOPMed 0.00085; 1000 Genomes Project 0.00379; 1000 Genomes Project 30x 0.00437; gnomAD 0.00102 and 0.00126.
gnomAD v4.1: 1,434 of 1,067,862 alleles (0.13%); highest among the groups gnomAD compares: East Asian, 2.1%; 13 homozygotes.

Submissions (4):

Evidence-based Network for the Interpretation of Germline Mutant Alleles (ENIGMA)
Classification: Benign for Breast-ovarian cancer, familial 1. Last evaluated: 2015-01-12. Review status: reviewed by expert panel. Criteria: ENIGMA BRCA1/2 Classification Criteria (2015). Collection method: curation. Allele origin: germline.
Comment: Class 1 not pathogenic based on frequency >1% in an outbred sampleset. Frequency 0.01049 (Asian), derived from 1000 genomes (2012-04-30).

National Health Laboratory Service, Universitas Academic Hospital and University of the Free State
Classification: Benign for Hereditary breast ovarian cancer syndrome. Last evaluated: 2021-11-16. Review status: criteria provided, single submitter. Criteria: ACMG Guidelines, 2015. Collection method: clinical testing. Allele origin: germline. Affected: yes. Observed: 1 variant allele. Not counted in ClinVar's aggregate classification.

Breakthrough Genomics
Classification: Benign. Review status: criteria provided, single submitter. Criteria: ACMG Guidelines, 2015. Collection method: not provided. Allele origin: germline. Inheritance: Autosomal recessive inheritance. Affected: yes. Not counted in ClinVar's aggregate classification.

Department of Pathology and Laboratory Medicine, Sinai Health System
Classification: Likely benign. Review status: no assertion criteria provided. Collection method: clinical testing. Allele origin: unknown. Affected: yes. Observed: 3 variant alleles. Study: The Canadian Open Genetics Repository (COGR). Not counted in ClinVar's aggregate classification.

Literature cited by the submitters: DOI 10.3389/fgene.2022.834265 (cited by National Health Laboratory Service, Universitas Academic Hospital and University of the Free State).